The following is an entry in ClinVar:

NM_000070.3(CAPN3):c.793T>G (p.Ser265Ala)

Gene: CAPN3 (calpain 3; plus strand). Cytogenetic location: 15q15.1.
Variant type: single nucleotide variant.
Coding change: c.793T>G on transcript NM_000070.3 (MANE Select); coding-DNA position 793, T replaced by G.
Protein change: p.Ser265Ala; replaces serine 265 with alanine.
Molecular consequence: missense variant.
Genome position (GRCh38, 1-based): chr15:42,389,088, T>G. VCF-style: chr15-42389088-T-G. GRCh37 (hg19) VCF-style: chr15-42681286-T-G.
Other names: c.793T>G, p.Ser265Ala (NM_024344.2, NM_173087.2); short protein forms S265A.
Identifiers: ClinVar variation 1030578 (VCV001030578.1), dbSNP rs2053485355, ClinGen allele CA391998398.
Genomic context (GRCh38, chr15:42,389,088, plus strand): 5'-CCTAGTGACATGTACAAGATCATGAAGAAAGCCATCGAGAGAGGCTCCCTCATGGGCTGC[T>G]CCATTGATGTAAGTCTGGGGTGTGGGGCACAGGGTGGGGAGCTCCAAGTGTCAGGAAGCC-3'
Protein context (NP_000061.1, residues 255-275): AIERGSLMGC[Ser265Ala]IDDGTNMTYG

ClinVar aggregate classification (germline): Uncertain significance (1 of 4 stars; one submission).

Conditions:
Autosomal recessive limb-girdle muscular dystrophy type 2A (LGMDR1). Also called: Calpainopathy; LEYDEN-MOEBIUS MUSCULAR DYSTROPHY; MUSCULAR DYSTROPHY, PELVOFEMORAL; Muscular dystrophy, limb-girdle, type 2A, Amish; Limb-girdle muscular dystrophy, type 2A. Identifiers: Orphanet 267, MedGen C1869123, MONDO:0009675, OMIM 253600. Disease mechanism: loss of function.

Allele frequency attached by ClinVar (database versions not stated): gnomAD exomes below 0.00001.
gnomAD v4.1: 1 of 1,614,032 alleles (0.000062%); highest among the groups gnomAD compares: Admixed American, 0.0017%; no homozygotes.

Submission:

Baylor Genetics
Classification: Uncertain significance for Autosomal recessive limb-girdle muscular dystrophy type 2A. Last evaluated: 2019-10-29. Review status: criteria provided, single submitter. Criteria: ACMG Guidelines, 2015. Collection method: clinical testing. Allele origin: unknown. Affected: yes.
Comment: This variant was determined to be of uncertain significance according to ACMG Guidelines, 2015 [PMID:25741868].